The following is an entry in ClinVar:

NM_004859.4(CLTC):c.91A>T (p.Thr31Ser)

Gene: CLTC (clathrin heavy chain; plus strand). Cytogenetic location: 17q23.1.
Variant type: single nucleotide variant.
Coding change: c.91A>T on transcript NM_004859.4 (MANE Select); coding-DNA position 91, A replaced by T.
Protein change: p.Thr31Ser; replaces threonine 31 with serine.
Molecular consequence: missense variant.
Genome position (GRCh38, 1-based): chr17:59,644,324, A>T. VCF-style: chr17-59644324-A-T. GRCh37 (hg19) VCF-style: chr17-57721685-A-T.
Other names: c.91A>T, p.Thr31Ser (NM_001288653.2); short protein forms T31S.
Identifiers: ClinVar variation 3365742 (VCV003365742.1).

ClinVar aggregate classification (germline): Uncertain significance (1 of 4 stars; one submission).

Submission:

GeneDx
Classification: Uncertain significance. Last evaluated: 2023-12-13. Review status: criteria provided, single submitter. Criteria: GeneDx Variant Classification Process June 2021. Collection method: clinical testing. Allele origin: germline. Affected: yes.
Comment: Not observed at significant frequency in large population cohorts (gnomAD); In silico analysis supports that this missense variant has a deleterious effect on protein structure/function; Has not been previously published as pathogenic or benign to our knowledge